The following is an entry in ClinVar:

NM_001318895.3(FHL2):c.805G>T (p.Asp269Tyr)

Genes: C2orf49 (chromosome 2 open reading frame 49; plus strand), FHL2 (four and a half LIM domains 2; minus strand). Cytogenetic location: 2q12.2.
Variant type: single nucleotide variant.
Coding change: c.805G>T on transcript NM_001318895.3 (MANE Select); coding-DNA position 805, G replaced by T.
Protein change: p.Asp269Tyr; replaces aspartic acid 269 with tyrosine.
Molecular consequence: missense variant.
Genome position (GRCh38, 1-based): chr2:105,361,318, C>A on the plus strand (G>T on the coding strand, the complement: FHL2 is on the minus strand). VCF-style: chr2-105361318-C-A. GRCh37 (hg19) VCF-style: chr2-105977775-C-A.
Other names: c.805G>T, p.Asp269Tyr (NM_001039492.3, NM_001318894.1, NM_001318896.2 and 4 more transcripts); c.463G>T, p.Asp155Tyr (NM_001318897.2, NM_001318898.2); c.481G>T, p.Asp161Tyr (NM_001318899.2); short protein forms D155Y, D161Y, D269Y.
Identifiers: ClinVar variation 3711322 (VCV003711322.2).

ClinVar aggregate classification (germline): Uncertain significance (1 of 4 stars; one submission).

Conditions:
Primary dilated cardiomyopathy (DCM). Also called: Dilated Cardiomyopathy. Identifiers: Orphanet 217604, MedGen C0007193, MeSH D002311, MONDO:0005021, HP:0001644. Inheritance: Various modes of inheritance.

gnomAD v4.1: 1 of 1,613,952 alleles (0.000062%); highest among the groups gnomAD compares: Non-Finnish European, 0.000085%; no homozygotes.

Submission:

Labcorp Genetics (formerly Invitae), Labcorp
Classification: Uncertain significance for Primary dilated cardiomyopathy. Last evaluated: 2025-07-14. Review status: criteria provided, single submitter. Criteria: Invitae Variant Classification Sherloc (09022015). Collection method: clinical testing. Allele origin: germline.
Comment: This sequence change replaces aspartic acid, which is acidic and polar, with tyrosine, which is neutral and polar, at codon 269 of the FHL2 protein (p.Asp269Tyr). This variant is not present in population databases (gnomAD no frequency). This variant has not been reported in the literature in individuals affected with FHL2-related conditions. ClinVar contains an entry for this variant (Variation ID: 3711322). Invitae Evidence Modeling of protein sequence and biophysical properties (such as structural, functional, and spatial information, amino acid conservation, physicochemical variation, residue mobility, and thermodynamic stability) indicates that this missense variant is not expected to disrupt FHL2 protein function with a negative predictive value of 80%. In summary, the available evidence is currently insufficient to determine the role of this variant in disease. Therefore, it has been classified as a Variant of Uncertain Significance.